The following is an entry in ClinVar:

NM_020778.5(ALPK3):c.5012C>T (p.Ala1671Val)

Gene: ALPK3 (alpha kinase 3; plus strand). Cytogenetic location: 15q25.3.
Variant type: single nucleotide variant.
Coding change: c.5012C>T on transcript NM_020778.5 (MANE Select); coding-DNA position 5012, C replaced by T.
Protein change: p.Ala1671Val; replaces alanine 1671 with valine.
Molecular consequence: missense variant.
Genome position (GRCh38, 1-based): chr15:84,868,350, C>T. VCF-style: chr15-84868350-C-T. GRCh37 (hg19) VCF-style: chr15-85411581-C-T.
Other names: p.Ala1873Val; short protein forms A1873V, A1671V.
Identifiers: ClinVar variation 508472 (VCV000508472.51), dbSNP rs36002219, ClinGen allele CA7710138.

ClinVar aggregate classification (germline): Benign/Likely benign. Review status: criteria provided, multiple submitters, no conflicts (2 of 4 stars). 14 submissions from 14 submitters: Benign (6); Likely benign (4). 4 of the submissions do not count toward it. Last evaluated 2026-02-02.

Conditions:
ALPK3-related disorder. Also called: ALPK3-related condition.
Cardiovascular phenotype. Identifiers: MedGen CN230736.
Cardiomyopathy, familial hypertrophic 27. Identifiers: MedGen C4748014, MONDO:0054838, OMIM 618052.

Allele frequency attached by ClinVar (database versions not stated): 1000 Genomes Project 0.00100; 1000 Genomes Project 30x 0.00109; TOPMed 0.00174; ESP Exome Variant Server 0.00269; gnomAD 0.00277 and 0.00289; gnomAD exomes 0.00294 and 0.00348; ExAC 0.00368.
gnomAD v4.1: 4,691 of 1,614,096 alleles (0.29%); highest among the groups gnomAD compares: Non-Finnish European, 0.3%; 11 homozygotes.

Submissions (14):

Labcorp Genetics (formerly Invitae), Labcorp
Classification: Benign. Last evaluated: 2026-02-02. Review status: criteria provided, single submitter. Criteria: Invitae Variant Classification Sherloc (09022015). Collection method: clinical testing. Allele origin: germline.

ARUP Laboratories, Molecular Genetics and Genomics, ARUP Laboratories
Classification: Likely benign for Cardiomyopathy, familial hypertrophic 27. Last evaluated: 2025-05-19. Review status: criteria provided, single submitter. Criteria: ARUP Molecular Germline Variant Investigation Process 2024. Collection method: clinical testing. Allele origin: germline.

Women's Health and Genetics/Laboratory Corporation of America, LabCorp
Classification: Likely benign. Last evaluated: 2025-05-09. Review status: criteria provided, single submitter. Criteria: LabCorp Variant Classification Summary - May 2015. Collection method: clinical testing. Allele origin: germline.
Comment: Variant summary: ALPK3 c.5012C>T (p.Ala1671Val) results in a non-conservative amino acid change located in the Alpha-type protein kinase, alpha-kinase domain of the encoded protein sequence. Algorithms developed to predict the effect of missense changes on protein structure and function are either unavailable or do not agree on the potential impact of this missense change. The variant allele was found at a frequency of 0.0029 in 1461834 control chromosomes, predominantly at a frequency of 0.013 within the Finnish subpopulation in the gnomAD database, including 3 homozygotes. The observed variant frequency within Finnish control individuals in the gnomAD database is approximately 1.8 fold of the estimated maximal expected allele frequency for a pathogenic variant in ALPK3 causing Cardiomyopathy phenotype (0.0071). To our knowledge, no occurrence of c.5012C>T in individuals affected with Cardiomyopathy and no experimental evidence demonstrating its impact on protein function have been reported. ClinVar contains an entry for this variant (Variation ID: 508472). Based on the evidence outlined above, the variant was classified as likely benign.

CeGaT Center for Human Genetics Tuebingen
Classification: Likely benign. Last evaluated: 2025-05-01. Review status: criteria provided, single submitter. Criteria: CeGaT Center For Human Genetics Tuebingen Variant Classification Criteria Version 2. Collection method: clinical testing. Allele origin: germline. Affected: yes. Observed: 4 variant alleles.
Comment: ALPK3: BP4, BS2

Molecular Diagnostic Laboratory for Inherited Cardiovascular Disease, Montreal Heart Institute
Classification: Benign. Last evaluated: 2025-04-09. Review status: criteria provided, single submitter. Criteria: ACMG Guidelines, 2015. Collection method: clinical testing. Allele origin: germline. Affected: no.
Comment: BS1; BP4; BP6

Blueprint Genetics
Classification: Likely benign. Last evaluated: 2024-11-26. Review status: criteria provided, single submitter. Criteria: ACMG Guidelines, 2015. Collection method: clinical testing. Allele origin: germline.

Mayo Clinic Laboratories, Mayo Clinic
Classification: Benign. Last evaluated: 2024-03-27. Review status: criteria provided, single submitter. Criteria: ACMG Guidelines, 2015. Collection method: clinical testing. Allele origin: germline. Observed: 4 variant alleles.
Comment: BS1, BS2, BP4_strong

GeneDx
Classification: Benign. Last evaluated: 2019-02-19. Review status: criteria provided, single submitter. Criteria: GeneDx Variant Classification Process June 2021. Collection method: clinical testing. Allele origin: germline. Affected: yes.

Ambry Genetics
Classification: Benign for Cardiovascular phenotype. Last evaluated: 2018-12-29. Review status: criteria provided, single submitter. Criteria: Ambry Variant Classification Scheme 2023. Collection method: clinical testing. Allele origin: germline.

Breakthrough Genomics
Classification: Benign. Review status: criteria provided, single submitter. Criteria: ACMG Guidelines, 2015. Collection method: not provided. Allele origin: germline. Inheritance: Autosomal recessive inheritance. Affected: yes.

PreventionGenetics, part of Exact Sciences
Classification: Likely benign for ALPK3-related condition. Last evaluated: 2019-03-01. Review status: no assertion criteria provided. Collection method: clinical testing. Allele origin: germline. Not counted in ClinVar's aggregate classification.
Comment: This variant is classified as likely benign based on ACMG/AMP sequence variant interpretation guidelines (Richards et al. 2015 PMID: 25741868, with internal and published modifications).

Clinical Genetics DNA and cytogenetics Diagnostics Lab, Erasmus MC, Erasmus Medical Center
Classification: Benign. Review status: no assertion criteria provided. Collection method: clinical testing. Allele origin: germline. Affected: yes. Study: VKGL Data-share Consensus. Not counted in ClinVar's aggregate classification.

Clinical Genetics, Academic Medical Center
Classification: Benign. Review status: no assertion criteria provided. Collection method: clinical testing. Allele origin: germline. Affected: yes. Study: VKGL Data-share Consensus. Not counted in ClinVar's aggregate classification.

Genome Diagnostics Laboratory, University Medical Center Utrecht
Classification: Benign. Review status: no assertion criteria provided. Collection method: clinical testing. Allele origin: germline. Affected: yes. Study: VKGL Data-share Consensus. Not counted in ClinVar's aggregate classification.